The following is an entry in ClinVar:

NM_014317.5(PDSS1):c.130-242T>G

Gene: PDSS1 (decaprenyl diphosphate synthase subunit 1; plus strand). Cytogenetic location: 10p12.1.
Variant type: single nucleotide variant.
Coding change: c.130-242T>G on transcript NM_014317.5 (MANE Select); 242 bases into the intron before coding-DNA position 130, T replaced by G.
Molecular consequence: intron variant.
Genome position (GRCh38, 1-based): chr10:26,701,920, T>G. VCF-style: chr10-26701920-T-G. GRCh37 (hg19) VCF-style: chr10-26990849-T-G.
Other names: c.-464-242T>G (NM_001321979.2); c.130-242T>G (NM_001321978.2).
Identifiers: ClinVar variation 671582 (VCV000671582.2), dbSNP rs1677726, ClinGen allele CA5446854.
Genomic context (GRCh38, chr10:26,701,920, plus strand): 5'-GGCACTCAATGCCAGCCCATGAGAATAGCAGTGGGGGTTGAACCCTGCAAAGCCACAGAG[T>G]CAGAGCCACCCAAGTTCTTGGGAGCCCACCCTTTGCATCAGTGTGACCTAGATGTGAGAC-3'

ClinVar aggregate classification (germline): Benign. Review status: criteria provided, multiple submitters, no conflicts (2 of 4 stars). 2 submissions from 2 submitters: Benign (2). Last evaluated 2018-06-16.

Allele frequency attached by ClinVar (database versions not stated): 1000 Genomes Project 30x 0.59041; 1000 Genomes Project 0.59744; TOPMed 0.60314; gnomAD 0.60636 and 0.61235; ExAC 0.63724; gnomAD exomes 0.65455 and 0.67028.
gnomAD v4.1: 286,440 of 440,270 alleles (65%); highest among the groups gnomAD compares: East Asian, 81%; 95,280 homozygotes.

Submissions (2):

GeneDx
Classification: Benign. Last evaluated: 2018-06-16. Review status: criteria provided, single submitter. Criteria: GeneDx Variant Classification (06012015). Collection method: clinical testing. Allele origin: germline. Affected: yes.
Comment: This variant is considered likely benign or benign based on one or more of the following criteria: it is a conservative change, it occurs at a poorly conserved position in the protein, it is predicted to be benign by multiple in silico algorithms, and/or has population frequency not consistent with disease.

Breakthrough Genomics
Classification: Benign. Review status: criteria provided, single submitter. Criteria: ACMG Guidelines, 2015. Collection method: not provided. Allele origin: germline. Inheritance: Autosomal recessive inheritance. Affected: yes.